The following is an entry in ClinVar:

NM_030761.5(WNT4):c.739C>T (p.Arg247Cys)

Gene: WNT4 (Wnt family member 4; minus strand). Cytogenetic location: 1p36.12.
Variant type: single nucleotide variant.
Coding change: c.739C>T on transcript NM_030761.5 (MANE Select); coding-DNA position 739, C replaced by T.
Protein change: p.Arg247Cys; replaces arginine 247 with cysteine.
Molecular consequence: missense variant.
Genome position (GRCh38, 1-based): chr1:22,120,367, G>A on the plus strand (C>T on the coding strand, the complement: WNT4 is on the minus strand). VCF-style: chr1-22120367-G-A. GRCh37 (hg19) VCF-style: chr1-22446860-G-A.
Other names: short protein forms R247C.
Identifiers: ClinVar variation 977103 (VCV000977103.2), dbSNP rs140080433, ClinGen allele CA675285.
Genomic context (GRCh38, chr1:22,120,367, plus strand): 5'-CTGTGTGCGGCTTGAACTGTGCGTTGCGTGGCACCAGTGCCCTGGAGGAGCCCACGCGGC[G>A]TGGCTCCACCTCAGTGGCACCATCAAACTTCTCCTTCAGTGCGTGACCCACCTGGCGGAA-3'
Protein context (NP_110388.2, residues 237-257): KFDGATEVEP[Arg247Cys]RVGSSRALVP

ClinVar aggregate classification (germline): Uncertain significance. Review status: criteria provided, multiple submitters, no conflicts (2 of 4 stars). 2 submissions from 2 submitters: Uncertain significance (2). Last evaluated 2022-02-23.

Conditions:
SERKAL syndrome (SERKAL). Also called: 46,XX SEX REVERSAL WITH DYSGENESIS OF KIDNEYS, ADRENALS, AND LUNGS. Identifiers: Orphanet 139466, MedGen C2678492, MONDO:0012734, OMIM 611812.
Mullerian aplasia and hyperandrogenism. Also called: MULLERIAN DUCT FAILURE AND HYPERANDROGENISM. Identifiers: Orphanet 247768, MedGen C2675014, MONDO:0008019, OMIM 158330.

Allele frequency attached by ClinVar (database versions not stated): gnomAD 0.00001 and 0.00002; gnomAD exomes 0.00003; ExAC 0.00004; TOPMed 0.00004; ESP Exome Variant Server 0.00015.

Submissions (2):

Fulgent Genetics
Classification: Uncertain significance for Mullerian aplasia and hyperandrogenism; SERKAL syndrome. Last evaluated: 2022-02-23. Review status: criteria provided, single submitter. Criteria: ACMG Guidelines, 2015. Collection method: clinical testing. Allele origin: unknown.

Johns Hopkins Genomics, Johns Hopkins University
Classification: Uncertain significance for Mullerian aplasia and hyperandrogenism. Last evaluated: 2020-07-05. Review status: criteria provided, single submitter. Criteria: ACMG Guidelines, 2015. Collection method: clinical testing. Allele origin: germline.
Comment: This WNT4 variant (rs140080433) is rare (<0.1%) in a large population dataset (gnomAD: 8/251318 total alleles; 0.0032%; no homozygotes) and has not been reported in ClinVar nor the literature, to our knowledge. Of three bioinformatics tools queried, two predict that this substitution would be damaging, while one predicts that it would be tolerated. The arginine residue at this position is highly conserved across all vertebrate species accessed except for birds, which have a serine at this position. Due to insufficient evidence, we consider the clinical significance of c.739C>T to be uncertain at this time.

Literature cited by the submitters: PubMed 12016514 (cited by Johns Hopkins Genomics, Johns Hopkins University); PubMed 15317892 (cited by Johns Hopkins Genomics, Johns Hopkins University); PubMed 16959810 (cited by Johns Hopkins Genomics, Johns Hopkins University); PubMed 18182450 (cited by Johns Hopkins Genomics, Johns Hopkins University); PubMed 18987495 (cited by Johns Hopkins Genomics, Johns Hopkins University).